The following is an entry in ClinVar:

NM_005045.4(RELN):c.1248T>G (p.Ile416Met)

Gene: RELN (reelin; minus strand). Cytogenetic location: 7q22.1.
Variant type: single nucleotide variant.
Coding change: c.1248T>G on transcript NM_005045.4 (MANE Select); coding-DNA position 1248, T replaced by G.
Protein change: p.Ile416Met; replaces isoleucine 416 with methionine.
Molecular consequence: missense variant.
Genome position (GRCh38, 1-based): chr7:103,682,157, A>C on the plus strand (T>G on the coding strand, the complement: RELN is on the minus strand). VCF-style: chr7-103682157-A-C. GRCh37 (hg19) VCF-style: chr7-103322604-A-C.
Other names: c.1248T>G, p.Ile416Met (NM_173054.3); short protein forms I416M.
Identifiers: ClinVar variation 2657904 (VCV002657904.24), dbSNP rs928400653, ClinGen allele CA163855869.

ClinVar aggregate classification (germline): Likely benign (1 of 4 stars; one submission).

Allele frequency attached by ClinVar (database versions not stated): gnomAD exomes below 0.00001; gnomAD 0.00001; TOPMed 0.00001.
gnomAD v4.1: 3 of 1,613,716 alleles (0.00019%); highest among the groups gnomAD compares: Non-Finnish European, 0.00025%; no homozygotes.

Submission:

CeGaT Center for Human Genetics Tuebingen
Classification: Likely benign. Last evaluated: 2024-04-01. Review status: criteria provided, single submitter. Criteria: CeGaT Center For Human Genetics Tuebingen Variant Classification Criteria Version 2. Collection method: clinical testing. Allele origin: germline. Affected: yes. Observed: 2 variant alleles.
Comment: RELN: BP4